The following is an entry in ClinVar:

NM_000363.5(TNNI3):c.25-13C>T

Gene: TNNI3 (troponin I3, cardiac type; minus strand). Cytogenetic location: 19q13.42.
Variant type: single nucleotide variant.
Coding change: c.25-13C>T on transcript NM_000363.5 (MANE Select); 13 bases into the intron before coding-DNA position 25, C replaced by T.
Molecular consequence: intron variant.
Genome position (GRCh38, 1-based): chr19:55,157,146, G>A on the plus strand (C>T on the coding strand, the complement: TNNI3 is on the minus strand). VCF-style: chr19-55157146-G-A. GRCh37 (hg19) VCF-style: chr19-55668514-G-A.
Identifiers: ClinVar variation 2849721 (VCV002849721.5), dbSNP rs2515503913, ClinGen allele CA2587244580.

ClinVar aggregate classification (germline): Likely benign. Review status: criteria provided, multiple submitters, no conflicts (2 of 4 stars). 3 submissions from 3 submitters: Likely benign (3). Last evaluated 2023-11-20.

Conditions:
Cardiomyopathy (CMYO). Also called: Cardiomyopathies. Identifiers: Orphanet 167848, MedGen C0878544, MONDO:0004994, HP:0001638. Inheritance: Various modes of inheritance.
Hypertrophic cardiomyopathy. Also called: HYPERTROPHIC MYOCARDIOPATHY. Identifiers: Orphanet 217569, MedGen C0007194, MeSH D002312, MONDO:0005045, HP:0001639.

gnomAD v4.1: 3 of 1,595,398 alleles (0.00019%); highest among the groups gnomAD compares: Non-Finnish European, 0.00026%; no homozygotes.

Submissions (3):

All of Us Research Program, National Institutes of Health
Classification: Likely benign for Hypertrophic cardiomyopathy. Last evaluated: 2023-11-20. Review status: criteria provided, single submitter. Criteria: ACMG Guidelines, 2015. Collection method: clinical testing. Allele origin: germline. Inheritance: Autosomal dominant inheritance. Observed: 1 variant allele, 1 heterozygote.
Comment: This study involves interpretation of variants in research participants for the purpose of population health screening. Participant phenotype was not available at the time of variant classification. Additional details can be found in publication PMID: 35346344, PMCID: PMC8962531

Color Diagnostics, LLC DBA Color Health
Classification: Likely benign for Cardiomyopathy. Last evaluated: 2023-10-26. Review status: criteria provided, single submitter. Criteria: ACMG Guidelines, 2015. Collection method: clinical testing. Allele origin: germline.

Labcorp Genetics (formerly Invitae), Labcorp
Classification: Likely benign for Hypertrophic cardiomyopathy. Last evaluated: 2023-03-26. Review status: criteria provided, single submitter. Criteria: Invitae Variant Classification Sherloc (09022015). Collection method: clinical testing. Allele origin: germline.